The following is an entry in ClinVar:

ClinVar aggregate classification (germline): Pathogenic/Likely pathogenic. Review status: criteria provided, multiple submitters, no conflicts (2 of 4 stars). 3 submissions from 3 submitters: Pathogenic (1); Likely pathogenic (1). 1 of the submissions does not count toward it. Last evaluated 2020-06-11.

Conditions:
HNRNPH2-related disorders.
Intellectual developmental disorder, X-linked, syndromic, Bain type. Also called: Intellectual disability, X-linked, syndromic, Bain type; HNRNPH2-Related Neurodevelopmental Disorder. Identifiers: Orphanet 662198, MedGen C4310814, MONDO:0010512, OMIM 300986.

Submissions (3):

Blueprint Genetics
Classification: Likely pathogenic for HNRNPH2-related disorders. Last evaluated: 2020-06-11. Review status: criteria provided, single submitter. Criteria: ACMG Guidelines, 2015. Collection method: clinical testing. Allele origin: germline. Affected: yes. Observed: 1 variant allele.

GeneDx
Classification: Pathogenic. Last evaluated: 2018-03-12. Review status: criteria provided, single submitter. Criteria: GeneDx Variant Classification (06012015). Collection method: clinical testing. Allele origin: germline. Affected: yes.
Comment: The P209L variant in the HNRNPH2 gene has been observed in internal GeneDx whole exome sequencing data in association with intellectual disability, hypotonia, seizures, and microcephaly. The P209L variant was not observed in approximately 6,500 individuals of European and African American ancestry in the NHLBI Exome Sequencing Project, indicating it is not a common benign variant in these populations. The P209L variant is a semi-conservative amino acid substitution, which occurs at a position that is conserved across species. In silico analysis predicts the P209L variant is probably damaging to the protein structure/function. Missense variants in a nearby residue (R206W, R206Q) have been observed in internal GeneDx whole exome sequencing data in association with intellectual disability, dysmorphic features, hypotonia, and autistic features, supporting the functional importance of this region of the protein. We interpret P209L as a pathogenic variant.

OMIM
Classification: Pathogenic for INTELLECTUAL DEVELOPMENTAL DISORDER, X-LINKED, SYNDROMIC, BAIN TYPE. Last evaluated: 2021-08-19. Review status: no assertion criteria provided. Collection method: literature only. Allele origin: germline. Not counted in ClinVar's aggregate classification.

Literature cited by the submitters: PubMed 27545675 (cited by OMIM).

NM_019597.5(HNRNPH2):c.626C>T (p.Pro209Leu)

Genes: HNRNPH2 (heterogeneous nuclear ribonucleoprotein H2; plus strand), RPL36A-HNRNPH2 (RPL36A-HNRNPH2 readthrough; plus strand). Cytogenetic location: Xq22.1.
Variant type: single nucleotide variant.
Coding change: c.626C>T on transcript NM_019597.5 (MANE Select); coding-DNA position 626, C replaced by T.
Protein change: p.Pro209Leu; replaces proline 209 with leucine.
Molecular consequence: missense variant. On other transcripts: 3 prime UTR variant (2).
Genome position (GRCh38, 1-based): chrX:101,412,614, C>T. VCF-style: chrX-101412614-C-T. GRCh37 (hg19) VCF-style: chrX-100667602-C-T.
Other names: HNRNPH2, PRO209LEU; c.616C>T (NM_019597.4); c.*622C>T (NM_001199973.2, NM_001199974.2); c.626C>T, p.Pro209Leu (NM_001032393.3); short protein forms P209L.
Identifiers: ClinVar variation 225759 (VCV000225759.5), dbSNP rs1555988417, ClinGen allele CA413942603.